The following is an entry in ClinVar:

NM_003673.4(TCAP):c.279C>T (p.Ile93=)

Gene: TCAP (titin-cap; plus strand). Cytogenetic location: 17q12.
Variant type: single nucleotide variant.
Coding change: c.279C>T on transcript NM_003673.4 (MANE Select); coding-DNA position 279, C replaced by T.
Protein change: p.Ile93=; no amino-acid change (isoleucine 93 retained).
Molecular consequence: synonymous variant.
Genome position (GRCh38, 1-based): chr17:39,665,884, C>T. VCF-style: chr17-39665884-C-T. GRCh37 (hg19) VCF-style: chr17-37822137-C-T.
Identifiers: ClinVar variation 517026 (VCV000517026.11), dbSNP rs144149447, ClinGen allele CA8532888.

ClinVar aggregate classification (germline): Likely benign. Review status: criteria provided, multiple submitters, no conflicts (2 of 4 stars). 3 submissions from 3 submitters: Likely benign (3). Last evaluated 2025-07-22.

Conditions:
Hypertrophic cardiomyopathy 25 (CMH25). Also called: CARDIOMYOPATHY, FAMILIAL HYPERTROPHIC, 25. Identifiers: MedGen C4225408, MONDO:0011843, OMIM 607487.
Primary familial hypertrophic cardiomyopathy (HCM). Identifiers: Orphanet 99739, MedGen C0949658, MeSH D024741, MONDO:0024573. Inheritance: Various modes of inheritance.
Cardiovascular phenotype. Identifiers: MedGen CN230736.

Allele frequency attached by ClinVar (database versions not stated): ExAC 0.00001; gnomAD 0.00001 and 0.00002; gnomAD exomes 0.00001; TOPMed 0.00002; ESP Exome Variant Server 0.00008.
gnomAD v4.1: 2 of 1,612,194 alleles (0.00012%); highest among the groups gnomAD compares: African/African-American, 0.0027%; no homozygotes.

Submissions (3):

Labcorp Genetics (formerly Invitae), Labcorp
Classification: Likely benign for Hypertrophic cardiomyopathy 25; Primary familial hypertrophic cardiomyopathy. Last evaluated: 2025-07-22. Review status: criteria provided, single submitter. Criteria: Invitae Variant Classification Sherloc (09022015). Collection method: clinical testing. Allele origin: germline.

Ambry Genetics
Classification: Likely benign for Cardiovascular phenotype. Last evaluated: 2019-07-12. Review status: criteria provided, single submitter. Criteria: Ambry Variant Classification Scheme 2023. Collection method: clinical testing. Allele origin: germline.

GeneDx
Classification: Likely benign. Last evaluated: 2017-11-15. Review status: criteria provided, single submitter. Criteria: GeneDx Variant Classification (06012015). Collection method: clinical testing. Allele origin: germline. Affected: yes.
Comment: This variant is considered likely benign or benign based on one or more of the following criteria: it is a conservative change, it occurs at a poorly conserved position in the protein, it is predicted to be benign by multiple in silico algorithms, and/or has population frequency not consistent with disease.